The following is an entry in ClinVar:

NM_004181.5(UCHL1):c.291C>T (p.His97=)

Gene: UCHL1 (ubiquitin C-terminal hydrolase L1; plus strand). Cytogenetic location: 4p13.
Variant type: single nucleotide variant.
Coding change: c.291C>T on transcript NM_004181.5 (MANE Select); coding-DNA position 291, C replaced by T.
Protein change: p.His97=; no amino-acid change (histidine 97 retained).
Molecular consequence: synonymous variant.
Genome position (GRCh38, 1-based): chr4:41,260,763, C>T. VCF-style: chr4-41260763-C-T. GRCh37 (hg19) VCF-style: chr4-41262780-C-T.
Identifiers: ClinVar variation 2054092 (VCV002054092.10), dbSNP rs192697162, ClinGen allele CA2899970.
Genomic context (GRCh38, chr4:41,260,763, plus strand): 5'-TAAAGTGTACTTCATGAAGCAGACCATTGGGAATTCCTGTGGCACAATCGGACTTATTCA[C>T]GCAGTGGCCAATAATCAAGACAAACTGGGATTTGGTAGGTGTGGGTTTTGAGGCCAGCCA-3'
Protein context (NP_004172.2, residues 87-107): GNSCGTIGLI[His97=]AVANNQDKLG

ClinVar aggregate classification (germline): Likely benign. Review status: criteria provided, multiple submitters, no conflicts (2 of 4 stars). 2 submissions from 2 submitters: Likely benign (2). Last evaluated 2025-11-01.

Allele frequency attached by ClinVar (database versions not stated): TOPMed below 0.00001; gnomAD 0.00001; gnomAD exomes 0.00001; ExAC 0.00004; 1000 Genomes Project 30x 0.00016; 1000 Genomes Project 0.00020.
gnomAD v4.1: 10 of 1,614,188 alleles (0.00062%); highest among the groups gnomAD compares: East Asian, 0.0089%; no homozygotes.

Submissions (2):

CeGaT Center for Human Genetics Tuebingen
Classification: Likely benign. Last evaluated: 2025-11-01. Review status: criteria provided, single submitter. Criteria: CeGaT Center For Human Genetics Tuebingen Variant Classification Criteria Version 2. Collection method: clinical testing. Allele origin: germline. Affected: yes. Observed: 1 variant allele.
Comment: UCHL1: BP4, BP7

Labcorp Genetics (formerly Invitae), Labcorp
Classification: Likely benign. Last evaluated: 2022-07-05. Review status: criteria provided, single submitter. Criteria: Invitae Variant Classification Sherloc (09022015). Collection method: clinical testing. Allele origin: germline.